The following is an entry in ClinVar:

ClinVar aggregate classification (germline): Conflicting classifications of pathogenicity. Review status: criteria provided, conflicting classifications (1 of 4 stars). 2 submissions from 2 submitters: Likely pathogenic (1); Likely benign (1). Last evaluated 2026-01-11.

Conditions:
Inborn genetic diseases. Identifiers: MedGen C0950123, MeSH D030342.
Medium-chain acyl-coenzyme A dehydrogenase deficiency (ACADMD). Also called: CARNITINE DEFICIENCY SECONDARY TO MEDIUM-CHAIN ACYL-CoA DEHYDROGENASE DEFICIENCY; ACADM DEFICIENCY; MCADH DEFICIENCY; MCADD; MCAD Deficiency; Medium chain acyl-CoA dehydrogenase deficiency. Identifiers: Orphanet 42, MedGen C0220710, MONDO:0008721, OMIM 201450.

Allele frequency attached by ClinVar (database versions not stated): gnomAD exomes below 0.00001; ExAC 0.00001.
gnomAD v4.1: 5 of 1,601,184 alleles (0.00031%); highest among the groups gnomAD compares: Admixed American, 0.005%; no homozygotes.

Submissions (2):

Labcorp Genetics (formerly Invitae), Labcorp
Classification: Likely pathogenic for Medium-chain acyl-coenzyme A dehydrogenase deficiency. Last evaluated: 2026-01-11. Review status: criteria provided, single submitter. Criteria: Invitae Variant Classification Sherloc (09022015). Collection method: clinical testing. Allele origin: germline.
Comment: This sequence change replaces lysine, which is basic and polar, with arginine, which is basic and polar, at codon 418 of the ACADM protein (p.Lys418Arg). This variant is present in population databases (rs766532148, gnomAD 0.01%). This missense change has been observed in individual(s) with MCAD deficiency (internal data). In at least one individual the data is consistent with being in trans (on the opposite chromosome) from a pathogenic variant. ClinVar contains an entry for this variant (Variation ID: 2147235). Invitae Evidence Modeling of protein sequence and biophysical properties (such as structural, functional, and spatial information, amino acid conservation, physicochemical variation, residue mobility, and thermodynamic stability) indicates that this missense variant is not expected to disrupt ACADM protein function with a negative predictive value of 95%. Algorithms developed to predict the effect of sequence changes on RNA splicing suggest that this variant may create or strengthen a splice site. In summary, the currently available evidence indicates that the variant is pathogenic, but additional data are needed to prove that conclusively. Therefore, this variant has been classified as Likely Pathogenic.

Ambry Genetics
Classification: Likely benign for Inborn genetic diseases. Last evaluated: 2024-06-21. Review status: criteria provided, single submitter. Criteria: Ambry Variant Classification Scheme 2023. Collection method: clinical testing. Allele origin: germline.

NM_000016.6(ACADM):c.1253A>G (p.Lys418Arg)

Gene: ACADM (acyl-CoA dehydrogenase medium chain; plus strand). Cytogenetic location: 1p31.1.
Variant type: single nucleotide variant.
Coding change: c.1253A>G on transcript NM_000016.6 (MANE Select); coding-DNA position 1253, A replaced by G.
Protein change: p.Lys418Arg; replaces lysine 418 with arginine.
Molecular consequence: missense variant.
Genome position (GRCh38, 1-based): chr1:75,762,750, A>G. VCF-style: chr1-75762750-A-G. GRCh37 (hg19) VCF-style: chr1-76228435-A-G.
Other names: c.1253A>G (NM_000016.4); c.1265A>G, p.Lys422Arg (NM_001127328.3); c.1145A>G, p.Lys382Arg (NM_001286042.2); c.1352A>G, p.Lys451Arg (NM_001286043.2); c.686A>G, p.Lys229Arg (NM_001286044.2); short protein forms K422R, K451R, K382R, K418R, K229R.
Identifiers: ClinVar variation 2147235 (VCV002147235.5), dbSNP rs766532148, ClinGen allele CA913319.